The following is an entry in ClinVar:

ClinVar aggregate classification (germline): Uncertain significance. Review status: criteria provided, multiple submitters, no conflicts (2 of 4 stars). 2 submissions from 2 submitters: Uncertain significance (2). Last evaluated 2025-01-20.

Allele frequency attached by ClinVar (database versions not stated): TOPMed 0.00002; gnomAD 0.00003.
gnomAD v4.1: 18 of 1,603,440 alleles (0.0011%); highest among the groups gnomAD compares: East Asian, 0.027%; no homozygotes.

Submissions (2):

Labcorp Genetics (formerly Invitae), Labcorp
Classification: Uncertain significance. Last evaluated: 2025-01-20. Review status: criteria provided, single submitter. Criteria: Invitae Variant Classification Sherloc (09022015). Collection method: clinical testing. Allele origin: germline.
Comment: This sequence change replaces glycine, which is neutral and non-polar, with glutamic acid, which is acidic and polar, at codon 28 of the MTMR14 protein (p.Gly28Glu). This variant is present in population databases (rs763987152, gnomAD 0.02%). This variant has not been reported in the literature in individuals affected with MTMR14-related conditions. ClinVar contains an entry for this variant (Variation ID: 2689459). Invitae Evidence Modeling of protein sequence and biophysical properties (such as structural, functional, and spatial information, amino acid conservation, physicochemical variation, residue mobility, and thermodynamic stability) indicates that this missense variant is not expected to disrupt MTMR14 protein function with a negative predictive value of 80%. In summary, the available evidence is currently insufficient to determine the role of this variant in disease. Therefore, it has been classified as a Variant of Uncertain Significance.

Revvity Omics, Revvity
Classification: Uncertain significance. Last evaluated: 2020-02-20. Review status: criteria provided, single submitter. Criteria: ACMG Guidelines, 2015. Collection method: clinical testing. Allele origin: germline.

NM_001077525.3(MTMR14):c.83G>A (p.Gly28Glu)

Gene: MTMR14 (myotubularin related protein 14; plus strand). Cytogenetic location: 3p25.3.
Variant type: single nucleotide variant.
Coding change: c.83G>A on transcript NM_001077525.3 (MANE Select); coding-DNA position 83, G replaced by A.
Protein change: p.Gly28Glu; replaces glycine 28 with glutamic acid.
Molecular consequence: missense variant. On other transcripts: 5 prime UTR variant (23), non-coding transcript variant (9).
Genome position (GRCh38, 1-based): chr3:9,649,666, G>A. VCF-style: chr3-9649666-G-A. GRCh37 (hg19) VCF-style: chr3-9691350-G-A.
Other names: c.83G>A, p.Gly28Glu (NM_001077526.3, NM_001400519.1, NM_001400520.1 and 9 more transcripts); c.-51G>A (NM_001400518.1, NM_001400521.1, NM_001400525.1 and 4 more transcripts); c.-423G>A (NM_001400533.1, NM_001400539.1, NM_001400545.1); c.-484G>A (NM_001400534.1, NM_001400538.1, NM_001400541.1 and 2 more transcripts); c.-274G>A (NM_001400535.1); c.-451G>A (NM_001400540.1); c.-686G>A (NM_001400542.1); c.-245G>A (NM_001400543.1); and 4 more; short protein forms G28E.
Identifiers: ClinVar variation 2689459 (VCV002689459.4), dbSNP rs763987152, ClinGen allele CA2240135.